The following is an entry in ClinVar:

ClinVar aggregate classification (germline): Uncertain significance (1 of 4 stars; one submission).

Conditions:
Pitt-Hopkins-like syndrome 2 (PTHSL2). Identifiers: Orphanet 221150, Orphanet 600663, MedGen C3280479, MONDO:0013690, OMIM 614325.

gnomAD v4.1: 1 of 1,568,158 alleles (0.000064%); highest among the groups gnomAD compares: East Asian, 0.0023%; no homozygotes.

Submission:

Labcorp Genetics (formerly Invitae), Labcorp
Classification: Uncertain significance for Pitt-Hopkins-like syndrome 2. Last evaluated: 2023-08-31. Review status: criteria provided, single submitter. Criteria: Invitae Variant Classification Sherloc (09022015). Collection method: clinical testing. Allele origin: germline.
Comment: This variant is not present in population databases (gnomAD no frequency). In summary, the available evidence is currently insufficient to determine the role of this variant in disease. Therefore, it has been classified as a Variant of Uncertain Significance. An algorithm developed to predict the effect of missense changes on protein structure and function (PolyPhen-2) suggests that this variant is likely to be tolerated. This variant has not been reported in the literature in individuals affected with NRXN1-related conditions. This sequence change replaces glutamic acid, which is acidic and polar, with lysine, which is basic and polar, at codon 51 of the NRXN1 protein (p.Glu51Lys).

NM_001330078.2(NRXN1):c.151G>A (p.Glu51Lys)

Gene: NRXN1 (neurexin 1; minus strand). Cytogenetic location: 2p16.3.
Variant type: single nucleotide variant.
Coding change: c.151G>A on transcript NM_001330078.2 (MANE Select); coding-DNA position 151, G replaced by A.
Protein change: p.Glu51Lys; replaces glutamic acid 51 with lysine.
Molecular consequence: missense variant.
Genome position (GRCh38, 1-based): chr2:51,028,123, C>T on the plus strand (G>A on the coding strand, the complement: NRXN1 is on the minus strand). VCF-style: chr2-51028123-C-T. GRCh37 (hg19) VCF-style: chr2-51255261-C-T.
Other names: c.151G>A, p.Glu51Lys (NM_001135659.3, NM_001330077.2, NM_001330079.2 and 15 more transcripts); short protein forms E51K.
Identifiers: ClinVar variation 2777800 (VCV002777800.3), dbSNP rs1670896275, ClinGen allele CA346824595.